The following is an entry in ClinVar:

ClinVar aggregate classification (germline): Pathogenic. Review status: criteria provided, multiple submitters, no conflicts (2 of 4 stars). 7 submissions from 7 submitters: Pathogenic (7). Last evaluated 2025-06-11.

Conditions:
EDA-related disorder. Also called: EDA-related disorders; EDA-related condition.
Anhidrotic ectodermal dysplasia. Identifiers: MedGen C1706004, HP:0007476.
Hypohidrotic X-linked ectodermal dysplasia (XHED). Also called: ECTODERMAL DYSPLASIA 1; Anhidrotic ectodermal dysplasia X-linked; Christ Siemens Touraine syndrome; ECTODERMAL DYSPLASIA 1, HYPOHIDROTIC, X-LINKED; ECTODERMAL DYSPLASIA 1, HYPOHIDROTIC/HAIR/TOOTH TYPE, X-LINKED; Christ-Siemans-Touraine syndrome. Identifiers: Orphanet 181, Orphanet 238468, MedGen C0162359, MONDO:0010585, OMIM 305100.

Submissions (7):

Labcorp Genetics (formerly Invitae), Labcorp
Classification: Pathogenic for Hypohidrotic X-linked ectodermal dysplasia. Last evaluated: 2025-06-11. Review status: criteria provided, single submitter. Criteria: Invitae Variant Classification Sherloc (09022015). Collection method: clinical testing. Allele origin: germline.
Comment: This variant, c.659_676del, results in the deletion of 6 amino acid(s) of the EDA protein (p.Pro220_Pro225del), but otherwise preserves the integrity of the reading frame. This variant is not present in population databases (gnomAD no frequency). This variant has been observed in individuals with ectodermal dysplasia (PMID: 9736768, 21357618, 27305980). ClinVar contains an entry for this variant (Variation ID: 228338). This variant disrupts a region of the EDA protein in which other variant(s) (p.Pro220Leu) have been determined to be pathogenic (PMID: 25846883). This suggests that this is a clinically significant region of the protein, and that variants that disrupt it are likely to be disease-causing. For these reasons, this variant has been classified as Pathogenic.

Women's Health and Genetics/Laboratory Corporation of America, LabCorp
Classification: Pathogenic for Anhidrotic ectodermal dysplasia. Last evaluated: 2023-05-22. Review status: criteria provided, single submitter. Criteria: LabCorp Variant Classification Summary - May 2015. Collection method: clinical testing. Allele origin: germline.
Comment: Variant summary: EDA c.659_676del18 (p.Pro220_Pro225del) results in an in-frame deletion that is predicted to remove 6 amino acids from the encoded protein. The variant was absent in 146336 control chromosomes (gnomAD). c.659_676del18 has been reported in the literature in in both male and female individuals affected with Hypohidrotic Ectodermal Dysplasia, including a de novo occurrence (e.g. Bayes_1998, Schneider_2011, Cluzeau_2011, Ahmed_2021). These data indicate that the variant is likely to be associated with disease. To our knowledge, no experimental evidence demonstrating an impact on protein function has been reported. The following publications have been ascertained in the context of this evaluation (PMID: 9736768, 21357618, 20979233, 34573371). Five clinical diagnostic laboratories have submitted clinical-significance assessments for this variant to ClinVar after 2014 without evidence for independent evaluation. All laboratories classified the variant as pathogenic/likely pathogenic. Based on the evidence outlined above, the variant was classified as pathogenic.

GeneDx
Classification: Pathogenic. Last evaluated: 2022-08-04. Review status: criteria provided, single submitter. Criteria: GeneDx Variant Classification Process June 2021. Collection method: clinical testing. Allele origin: germline. Affected: yes.
Comment: In-frame deletion of 6 amino acids in a non-repeat region predicted to critically alter the protein; Not observed at a significant frequency in large population cohorts (gnomAD); In silico analysis supports a deleterious effect on protein structure/function; This variant is associated with the following publications: (PMID: 27305980, 25140498, 9736768, 20979233, 30394555, 24279917, 34573371, 21357618, 23553579, 24715423, 21457804, 26345974, 31924237)

Blueprint Genetics
Classification: Pathogenic for EDA-related disorders. Last evaluated: 2022-02-14. Review status: criteria provided, single submitter. Criteria: ACMG Guidelines, 2015. Collection method: clinical testing. Allele origin: germline. Affected: yes. Observed: 2 variant alleles.

Medical Molecular Genetics Department, National Research Center
Classification: Pathogenic for Hypohidrotic X-linked ectodermal dysplasia. Last evaluated: 2021-02-14. Review status: criteria provided, single submitter. Criteria: ACMG Guidelines, 2015. Collection method: research. Allele origin: de novo. Affected: yes.

Eurofins Ntd Llc (ga)
Classification: Pathogenic. Last evaluated: 2016-03-30. Review status: criteria provided, single submitter. Criteria: EGL Classification Definitions 2015. Collection method: clinical testing. Allele origin: germline. Observed: 1 variant allele, 1 hemizygote.

Laboratory for Molecular Medicine, Mass General Brigham Personalized Medicine
Classification: Pathogenic for Hypohidrotic X-linked ectodermal dysplasia. Last evaluated: 2015-07-22. Review status: criteria provided, single submitter. Criteria: LMM Criteria. Collection method: clinical testing. Allele origin: germline. Inheritance: X-linked inheritance. Observed: 1 variant allele.
Comment: The p.Pro220_Pro225del variant in EDA has been reported in 4 individuals (3 mal es, 1 female) with clinical features of XLHED (Bayes 1998, Schneider 2011, Zhang 2011). This variant results in an in-frame deletion of 18 amino acids from the conserved Gly-X-Y repeat region of the collagen subdomain of the EDA protein. Se veral adjacent in-frame and frameshift deletions have also been identified in pa tients with clinical features of XLHED (Bayes 1998, Cluzeau 2011, Zhang 2011, LM M unpublished data), indicating that this region is intolerant to these types of variation. In summary, this variant meets our criteria to be classified as path ogenic for hypohidrotic ectodermal dysplasia in an X-linked manner.

Literature cited by the submitters: PubMed 9736768 (cited by 3 submitters); PubMed 21357618 (cited by 4 submitters); PubMed 27305980 (cited by Labcorp Genetics (formerly Invitae), Labcorp); PubMed 25846883 (cited by Labcorp Genetics (formerly Invitae), Labcorp); PubMed 34573371 (cited by Women's Health and Genetics/Laboratory Corporation of America, LabCorp); PubMed 20979233 (cited by Women's Health and Genetics/Laboratory Corporation of America, LabCorp and Laboratory for Molecular Medicine, Mass General Brigham Personalized Medicine); PubMed 24279917 (cited by Eurofins Ntd Llc (ga)); PubMed 21457804 (cited by Laboratory for Molecular Medicine, Mass General Brigham Personalized Medicine).

NM_001399.5(EDA):c.659_676del (p.217_219PGP[1])

Gene: EDA (ectodysplasin A; plus strand). Cytogenetic location: Xq13.1.
Variant type: Deletion.
Coding change: c.659_676del on transcript NM_001399.5 (MANE Select); coding-DNA positions 659 to 676, 18 bases deleted (CAGGTCCTCCTGGTCCTC).
Protein change: p.217_219PGP[1].
Molecular consequence: inframe deletion.
Genome position (GRCh38, 1-based): chrX:70,027,989-70,028,006, CAGGTCCTCCTGGTCCTC deleted; deleting any 18 consecutive bases within chrX:70,027,979-70,028,006 gives the same sequence; the c. name uses the placement nearest the transcript's 3' end. VCF-style (leftmost placement, unchanged base first): chrX-70027978-ACCTGGTCCTCCAGGTCCT-A. GRCh37 (hg19) VCF-style: chrX-69247828-ACCTGGTCCTCCAGGTCCT-A.
Other names: c.659_676del, p.217_219PGP[1] (NM_001005609.2, NM_001005612.3); c.659_676del18 (NM_001399.4); c.659_676delCAGGTCCTCCTGGTCCTC (NM_001399.4).
Identifiers: ClinVar variation 228338 (VCV000228338.23), dbSNP rs876657686, ClinGen allele CA10577176.